The following is an entry in ClinVar:

ClinVar aggregate classification (germline): Uncertain significance. Review status: criteria provided, multiple submitters, no conflicts (2 of 4 stars). 3 submissions from 3 submitters: Uncertain significance (3). Last evaluated 2025-08-25.

Conditions:
ADNP-related multiple congenital anomalies - intellectual disability - autism spectrum disorder. Also called: Helsmoortel-Van der Aa Syndrome; ADNP-Related Helsmoortel-Van der Aa Syndrome. Identifiers: Orphanet 404448, MedGen C4014538, MONDO:0014379, OMIM 615873. Disease mechanism: loss of function.
Inborn genetic diseases. Identifiers: MedGen C0950123, MeSH D030342.

Allele frequency attached by ClinVar (database versions not stated): ExAC 0.00001; gnomAD 0.00001; TOPMed 0.00002.
gnomAD v4.1: 2 of 1,612,222 alleles (0.00012%); highest among the groups gnomAD compares: Non-Finnish European, 0.000085%; no homozygotes.

Submissions (3):

Ambry Genetics
Classification: Uncertain significance for Inborn genetic diseases. Last evaluated: 2025-08-25. Review status: criteria provided, single submitter. Criteria: Ambry Variant Classification Scheme 2023. Collection method: clinical testing. Allele origin: germline.

Labcorp Genetics (formerly Invitae), Labcorp
Classification: Uncertain significance. Last evaluated: 2023-04-09. Review status: criteria provided, single submitter. Criteria: Invitae Variant Classification Sherloc (09022015). Collection method: clinical testing. Allele origin: germline.
Comment: An algorithm developed to predict the effect of missense changes on protein structure and function (PolyPhen-2) suggests that this variant is likely to be tolerated. ClinVar contains an entry for this variant (Variation ID: 2438889). This variant has not been reported in the literature in individuals affected with ADNP-related conditions. This variant is not present in population databases (gnomAD no frequency). This sequence change replaces isoleucine, which is neutral and non-polar, with threonine, which is neutral and polar, at codon 1069 of the ADNP protein (p.Ile1069Thr). In summary, the available evidence is currently insufficient to determine the role of this variant in disease. Therefore, it has been classified as a Variant of Uncertain Significance.

Revvity Omics, Revvity
Classification: Uncertain significance for ADNP-related multiple congenital anomalies - intellectual disability - autism spectrum disorder. Last evaluated: 2021-11-15. Review status: criteria provided, single submitter. Criteria: ACMG Guidelines, 2015. Collection method: clinical testing. Allele origin: germline.

NM_001282531.3(ADNP):c.3206T>C (p.Ile1069Thr)

Gene: ADNP (activity dependent neuroprotector homeobox; minus strand). Cytogenetic location: 20q13.13.
Variant type: single nucleotide variant.
Coding change: c.3206T>C on transcript NM_001282531.3 (MANE Select); coding-DNA position 3206, T replaced by C.
Protein change: p.Ile1069Thr; replaces isoleucine 1069 with threonine.
Molecular consequence: missense variant.
Genome position (GRCh38, 1-based): chr20:50,891,508, A>G on the plus strand (T>C on the coding strand, the complement: ADNP is on the minus strand). VCF-style: chr20-50891508-A-G. GRCh37 (hg19) VCF-style: chr20-49508045-A-G.
Other names: c.3206T>C (NM_015339.2); c.3206T>C, p.Ile1069Thr (NM_001282532.2, NM_001347511.2, NM_015339.5 and 1 more transcripts); short protein forms I1069T.
Identifiers: ClinVar variation 2438889 (VCV002438889.7), dbSNP rs751149237, ClinGen allele CA9908432.